The following is an entry in ClinVar:

ClinVar aggregate classification (germline): Uncertain significance (1 of 4 stars; one submission).

Conditions:
Benign neonatal seizures. Also called: Benign familial neonatal seizures; Benign familial neonatal epilepsy; Convulsions benign familial neonatal dominant form; Autosomal dominant form of benign neonatal seizures; Benign neonatal familial convulsions. Identifiers: Orphanet 1949, MedGen C0220669, MONDO:0016027.

Submission:

Labcorp Genetics (formerly Invitae), Labcorp
Classification: Uncertain significance for Benign neonatal seizures. Last evaluated: 2024-04-18. Review status: criteria provided, single submitter. Criteria: Invitae Variant Classification Sherloc (09022015). Collection method: clinical testing. Allele origin: germline.
Comment: This sequence change creates a premature translational stop signal (p.Gln653*) in the KCNQ3 gene. While this is not anticipated to result in nonsense mediated decay, it is expected to disrupt the last 220 amino acid(s) of the KCNQ3 protein. This variant is not present in population databases (gnomAD no frequency). This variant has not been reported in the literature in individuals affected with KCNQ3-related conditions. Experimental studies and prediction algorithms are not available or were not evaluated, and the functional significance of this variant is currently unknown. In summary, the available evidence is currently insufficient to determine the role of this variant in disease. Therefore, it has been classified as a Variant of Uncertain Significance.

NM_004519.4(KCNQ3):c.1957C>T (p.Gln653Ter)

Gene: KCNQ3 (potassium voltage-gated channel subfamily Q member 3; minus strand). Cytogenetic location: 8q24.22.
Variant type: single nucleotide variant.
Coding change: c.1957C>T on transcript NM_004519.4 (MANE Select); coding-DNA position 1957, C replaced by T.
Protein change: p.Gln653Ter; replaces glutamine 653 with a stop codon.
Molecular consequence: nonsense.
Genome position (GRCh38, 1-based): chr8:132,129,924, G>A on the plus strand (C>T on the coding strand, the complement: KCNQ3 is on the minus strand). VCF-style: chr8-132129924-G-A. GRCh37 (hg19) VCF-style: chr8-133142171-G-A.
Other names: c.1597C>T, p.Gln533Ter (NM_001204824.2); short protein forms Q533*, Q653*.
Identifiers: ClinVar variation 3697759 (VCV003697759.2).